The following is an entry in ClinVar:

ClinVar aggregate classification (germline): Benign/Likely benign. Review status: criteria provided, multiple submitters, no conflicts (2 of 4 stars). 5 submissions from 5 submitters: Benign (1); Likely benign (4). Last evaluated 2024-11-01.

Conditions:
Hereditary cancer-predisposing syndrome. Also called: Tumor predisposition; Hereditary neoplastic syndrome; Neoplastic Syndromes, Hereditary; Hereditary Cancer Syndrome. Identifiers: Orphanet 140162, MedGen C0027672, MeSH D009386, MONDO:0015356.
Familial cancer of breast. Also called: hereditary breast carcinoma; Hereditary breast cancer; BREAST CANCER, FAMILIAL. Identifiers: Orphanet 227535, MedGen C0346153, MONDO:0016419, OMIM 114480. Disease mechanism: loss of function.
Fanconi anemia complementation group J. Also called: BRIP1-Related Fanconi Anemia. Identifiers: Orphanet 84, MedGen C1836860, MONDO:0012187, OMIM 609054.

Allele frequency attached by ClinVar (database versions not stated): gnomAD exomes below 0.00001.

Submissions (5):

CeGaT Center for Human Genetics Tuebingen
Classification: Likely benign. Last evaluated: 2024-11-01. Review status: criteria provided, single submitter. Criteria: CeGaT Center For Human Genetics Tuebingen Variant Classification Criteria Version 2. Collection method: clinical testing. Allele origin: germline. Affected: yes. Observed: 4 variant alleles.
Comment: BRIP1: BP4, BP7

Myriad Genetics, Inc.
Classification: Benign for Familial cancer of breast. Last evaluated: 2024-09-09. Review status: criteria provided, single submitter. Criteria: Myriad Autosomal Dominant, Autosomal Recessive and X-Linked Classification Criteria (2023). Collection method: clinical testing. Allele origin: unknown.
Comment: This variant is considered benign. This variant is a silent/synonymous amino acid change and it is not expected to impact splicing.

Labcorp Genetics (formerly Invitae), Labcorp
Classification: Likely benign for Familial cancer of breast; Fanconi anemia complementation group J. Last evaluated: 2023-02-01. Review status: criteria provided, single submitter. Criteria: Invitae Variant Classification Sherloc (09022015). Collection method: clinical testing. Allele origin: germline.

Ambry Genetics
Classification: Likely benign for Hereditary cancer-predisposing syndrome. Last evaluated: 2019-12-13. Review status: criteria provided, single submitter. Criteria: Ambry Variant Classification Scheme 2023. Collection method: clinical testing. Allele origin: germline.

Color Diagnostics, LLC DBA Color Health
Classification: Likely benign for Hereditary cancer-predisposing syndrome. Last evaluated: 2016-04-06. Review status: criteria provided, single submitter. Criteria: ACMG Guidelines, 2015. Collection method: clinical testing. Allele origin: germline.

NM_032043.3(BRIP1):c.3039T>C (p.Thr1013=)

Gene: BRIP1 (BRCA1 interacting DNA helicase 1; minus strand). Cytogenetic location: 17q23.2.
Variant type: single nucleotide variant.
Coding change: c.3039T>C on transcript NM_032043.3 (MANE Select); coding-DNA position 3039, T replaced by C.
Protein change: p.Thr1013=; no amino-acid change (threonine 1013 retained).
Molecular consequence: synonymous variant.
Genome position (GRCh38, 1-based): chr17:61,684,007, A>G on the plus strand (T>C on the coding strand, the complement: BRIP1 is on the minus strand). VCF-style: chr17-61684007-A-G. GRCh37 (hg19) VCF-style: chr17-59761368-A-G.
Identifiers: ClinVar variation 822688 (VCV000822688.41), dbSNP rs863224803, ClinGen allele CA501335512.